The following is an entry in ClinVar:

NM_001844.5(COL2A1):c.2409+84G>C

Gene: COL2A1 (collagen type II alpha 1 chain; minus strand). Cytogenetic location: 12q13.11.
Variant type: single nucleotide variant.
Coding change: c.2409+84G>C on transcript NM_001844.5 (MANE Select); 84 bases into the intron after coding-DNA position 2409, G replaced by C.
Molecular consequence: intron variant.
Genome position (GRCh38, 1-based): chr12:47,981,692, C>G on the plus strand (G>C on the coding strand, the complement: COL2A1 is on the minus strand). VCF-style: chr12-47981692-C-G. GRCh37 (hg19) VCF-style: chr12-48375475-C-G.
Other names: c.2202+84G>C (NM_033150.3).
Identifiers: ClinVar variation 674843 (VCV000674843.2), dbSNP rs1793937, ClinGen allele CA13646569.
Genomic context (GRCh38, chr12:47,981,692, plus strand): 5'-TGAGAGGGCCCCCTCTTCACTCCTACGGCCTTGGCCGAGGGTGACAGTGGTGAGGGAGGA[C>G]AAGACAGAACCGCCTTTGGCAGGAGATAAGAAGGAGGTGTGACAGGGAGGCAAGGTGTGG-3'

ClinVar aggregate classification (germline): Benign. Review status: criteria provided, multiple submitters, no conflicts (2 of 4 stars). 2 submissions from 2 submitters: Benign (2). Last evaluated 2018-06-18.

Allele frequency attached by ClinVar (database versions not stated): 1000 Genomes Project 30x 0.29794; TOPMed 0.30010; gnomAD 0.30046 and 0.30738; 1000 Genomes Project 0.30471; gnomAD exomes 0.37461.
gnomAD v4.1: 526,050 of 1,430,636 alleles (37%); highest among the groups gnomAD compares: East Asian, 45%; 100,777 homozygotes.

Submissions (2):

GeneDx
Classification: Benign. Last evaluated: 2018-06-18. Review status: criteria provided, single submitter. Criteria: GeneDx Variant Classification (06012015). Collection method: clinical testing. Allele origin: germline. Affected: yes.
Comment: This variant is considered likely benign or benign based on one or more of the following criteria: it is a conservative change, it occurs at a poorly conserved position in the protein, it is predicted to be benign by multiple in silico algorithms, and/or has population frequency not consistent with disease.

Breakthrough Genomics
Classification: Benign. Review status: criteria provided, single submitter. Criteria: ACMG Guidelines, 2015. Collection method: not provided. Allele origin: germline. Inheritance: Autosomal dominant inheritance. Affected: yes.